The following is an entry in ClinVar:

ClinVar aggregate classification (germline): Uncertain significance. Review status: criteria provided, multiple submitters, no conflicts (2 of 4 stars). 2 submissions from 2 submitters: Uncertain significance (2). Last evaluated 2025-08-31.

Conditions:
Hereditary cancer-predisposing syndrome. Also called: Neoplastic Syndromes, Hereditary; Tumor predisposition; Hereditary Cancer Syndrome; Hereditary neoplastic syndrome. Identifiers: Orphanet 140162, MedGen C0027672, MeSH D009386, MONDO:0015356.
Microcephaly, normal intelligence and immunodeficiency (NBS). Also called: IMMUNODEFICIENCY, MICROCEPHALY, AND CHROMOSOMAL INSTABILITY; SEEMANOVA SYNDROME II; Nijmegen breakage syndrome; Microcephaly with normal intelligence immunodeficiency and lymphoreticular malignancies; Nonsyndromal microcephaly autosomal recessive with normal intelligence; Seemanova syndrome 2. Identifiers: Orphanet 647, MedGen C0398791, MONDO:0009623, OMIM 251260.

Submissions (2):

Ambry Genetics
Classification: Uncertain significance for Hereditary cancer-predisposing syndrome. Last evaluated: 2025-08-31. Review status: criteria provided, single submitter. Criteria: Ambry Variant Classification Scheme 2023. Collection method: clinical testing. Allele origin: germline.
Comment: The p.E175D variant (also known as c.525A>C), located in coding exon 5 of the NBN gene, results from an A to C substitution at nucleotide position 525. The glutamic acid at codon 175 is replaced by aspartic acid, an amino acid with highly similar properties. This amino acid position is conserved. In addition, this alteration is predicted to be tolerated by in silico analysis. Since supporting evidence is limited at this time, the clinical significance of this alteration remains unclear.

Labcorp Genetics (formerly Invitae), Labcorp
Classification: Uncertain significance for Microcephaly, normal intelligence and immunodeficiency. Last evaluated: 2022-01-12. Review status: criteria provided, single submitter. Criteria: Invitae Variant Classification Sherloc (09022015). Collection method: clinical testing. Allele origin: germline.
Comment: In summary, the available evidence is currently insufficient to determine the role of this variant in disease. Therefore, it has been classified as a Variant of Uncertain Significance. Algorithms developed to predict the effect of missense changes on protein structure and function output the following: SIFT: "Tolerated"; PolyPhen-2: "Benign"; Align-GVGD: "Class C0". The aspartic acid amino acid residue is found in multiple mammalian species, which suggests that this missense change does not adversely affect protein function. This variant has not been reported in the literature in individuals affected with NBN-related conditions. This variant is not present in population databases (gnomAD no frequency). This sequence change replaces glutamic acid, which is acidic and polar, with aspartic acid, which is acidic and polar, at codon 175 of the NBN protein (p.Glu175Asp).

NM_002485.5(NBN):c.525A>C (p.Glu175Asp)

Gene: NBN (nibrin; minus strand). Cytogenetic location: 8q21.3.
Variant type: single nucleotide variant.
Coding change: c.525A>C on transcript NM_002485.5 (MANE Select); coding-DNA position 525, A replaced by C.
Protein change: p.Glu175Asp; replaces glutamic acid 175 with aspartic acid.
Molecular consequence: missense variant.
Genome position (GRCh38, 1-based): chr8:89,978,279, T>G on the plus strand (A>C on the coding strand, the complement: NBN is on the minus strand). VCF-style: chr8-89978279-T-G. GRCh37 (hg19) VCF-style: chr8-90990507-T-G.
Other names: c.279A>C, p.Glu93Asp (NM_001024688.3); short protein forms E93D, E175D.
Identifiers: ClinVar variation 1746405 (VCV001746405.8), dbSNP rs769400631, ClinGen allele CA371660334.
Genomic context (GRCh38, chr8:89,978,279, plus strand): 5'-CCTTTCAATTTGTGGAGGCTGCTTCTTGGACTCAACTGCTTTCAGGAATTCAGTAAAATA[T>G]TCTGGCTTTACAATTGGACGTCCACAAATGAGTGCACATATTGTCTACAATGAAGAAAAC-3'
Protein context (NP_002476.2, residues 165-185): LICGRPIVKP[Glu175Asp]YFTEFLKAVE